The following is an entry in ClinVar:

NM_005419.4(STAT2):c.778del (p.Thr260fs)

Gene: STAT2 (signal transducer and activator of transcription 2; minus strand). Cytogenetic location: 12q13.3.
Variant type: Deletion.
Coding change: c.778del on transcript NM_005419.4 (MANE Select); coding-DNA position 778, one base deleted (A; older notation c.778delA).
Protein change: p.Thr260fs; shifts the reading frame from threonine 260.
Molecular consequence: frameshift variant.
Genome position (GRCh38, 1-based): chr12:56,354,470, T deleted on the plus strand (A on the coding strand, the reverse complement: STAT2 is on the minus strand). VCF-style (leftmost placement, unchanged base first): chr12-56354469-GT-G. GRCh37 (hg19) VCF-style: chr12-56748253-GT-G.
Other names: c.766del, p.Thr256fs (NM_001385110.1, NM_001385115.1, NM_198332.2); c.778del, p.Thr260fs (NM_001385111.1, NM_001385113.1, NM_001385114.1); short protein forms T260fs, T256fs.
Identifiers: ClinVar variation 2798041 (VCV002798041.3), dbSNP rs2547264815, ClinGen allele CA2739272091.

ClinVar aggregate classification (germline): Pathogenic (1 of 4 stars; one submission).

Conditions:
Primary immunodeficiency with post-measles-mumps-rubella vaccine viral infection. Also called: Immunodeficiency 44. Identifiers: Orphanet 431166, MedGen C4225260, MONDO:0014715, OMIM 616636.

Submission:

Labcorp Genetics (formerly Invitae), Labcorp
Classification: Pathogenic for Primary immunodeficiency with post-measles-mumps-rubella vaccine viral infection. Last evaluated: 2023-10-23. Review status: criteria provided, single submitter. Criteria: Invitae Variant Classification Sherloc (09022015). Collection method: clinical testing. Allele origin: germline.
Comment: This sequence change creates a premature translational stop signal (p.Thr260Hisfs*13) in the STAT2 gene. It is expected to result in an absent or disrupted protein product. Loss-of-function variants in STAT2 are known to be pathogenic (PMID: 23391734, 26122121). This variant is not present in population databases (gnomAD no frequency). This variant has not been reported in the literature in individuals affected with STAT2-related conditions. For these reasons, this variant has been classified as Pathogenic.

Literature cited by the submitters: PubMed 23391734; PubMed 26122121.